The following is an entry in ClinVar:

NM_002471.4(MYH6):c.3598G>T (p.Asp1200Tyr)

Gene: MYH6 (myosin heavy chain 6; minus strand). Cytogenetic location: 14q11.2.
Variant type: single nucleotide variant.
Coding change: c.3598G>T on transcript NM_002471.4 (MANE Select); coding-DNA position 3598, G replaced by T.
Protein change: p.Asp1200Tyr; replaces aspartic acid 1200 with tyrosine.
Molecular consequence: missense variant.
Genome position (GRCh38, 1-based): chr14:23,390,191, C>A on the plus strand (G>T on the coding strand, the complement: MYH6 is on the minus strand). VCF-style: chr14-23390191-C-A. GRCh37 (hg19) VCF-style: chr14-23859400-C-A.
Other names: short protein forms D1200Y.
Identifiers: ClinVar variation 3297488 (VCV003297488.1).

ClinVar aggregate classification (germline): Uncertain significance (1 of 4 stars; one submission).

Conditions:
Cardiovascular phenotype. Identifiers: MedGen CN230736.

Submission:

Ambry Genetics
Classification: Uncertain significance for Cardiovascular phenotype. Last evaluated: 2024-05-05. Review status: criteria provided, single submitter. Criteria: Ambry Variant Classification Scheme 2023. Collection method: clinical testing. Allele origin: germline.
Comment: The p.D1200Y variant (also known as c.3598G>T), located in coding exon 24 of the MYH6 gene, results from a G to T substitution at nucleotide position 3598. The aspartic acid at codon 1200 is replaced by tyrosine, an amino acid with highly dissimilar properties. This amino acid position is conserved. In addition, this alteration is predicted to be deleterious by in silico analysis. Based on the available evidence, the clinical significance of this variant remains unclear.